The following is an entry in ClinVar:

ClinVar aggregate classification (germline): Pathogenic. Review status: reviewed by expert panel (3 of 4 stars). 7 submissions from 7 submitters: Pathogenic (1). 6 of the submissions do not count toward it. Last evaluated 2016-09-08.

Conditions:
Hereditary breast ovarian cancer syndrome. Also called: Breast and ovarian cancer; Hereditary breast and ovarian cancer; Hereditary breast and ovarian cancer syndrome; BRCA1- and BRCA2-Associated Hereditary Breast and Ovarian Cancer; Hereditary breast and ovarian cancer syndrome (HBOC); Hereditary breast and/or ovarian cancer syndrome. Identifiers: Orphanet 145, MedGen C0677776, MeSH D061325, MONDO:0003582. Disease mechanism: loss of function.
Hereditary cancer-predisposing syndrome. Also called: Tumor predisposition; Hereditary Cancer Syndrome; Neoplastic Syndromes, Hereditary; Hereditary neoplastic syndrome. Identifiers: Orphanet 140162, MedGen C0027672, MeSH D009386, MONDO:0015356.
Breast-ovarian cancer, familial, susceptibility to, 2 (BROVCA2). Also called: BRCA2 Hereditary Breast and Ovarian Cancer. Identifiers: Orphanet 145, MedGen C2675520, MONDO:0012933, OMIM 612555. Disease mechanism: loss of function.

Submissions (7):

Evidence-based Network for the Interpretation of Germline Mutant Alleles (ENIGMA)
Classification: Pathogenic for Breast-ovarian cancer, familial, susceptibility to, 2. Last evaluated: 2016-09-08. Review status: reviewed by expert panel. Criteria: ENIGMA BRCA1/2 Classification Criteria (2015). Collection method: curation. Allele origin: germline.
Comment: Variant allele predicted to encode a truncated non-functional protein.

Labcorp Genetics (formerly Invitae), Labcorp
Classification: Pathogenic for Hereditary breast ovarian cancer syndrome. Last evaluated: 2025-03-17. Review status: criteria provided, single submitter. Criteria: Invitae Variant Classification Sherloc (09022015). Collection method: clinical testing. Allele origin: germline. Not counted in ClinVar's aggregate classification.
Comment: This sequence change creates a premature translational stop signal (p.Pro2734*) in the BRCA2 gene. It is expected to result in an absent or disrupted protein product. Loss-of-function variants in BRCA2 are known to be pathogenic (PMID: 20104584). This variant is not present in population databases (gnomAD no frequency). This premature translational stop signal has been observed in individual(s) with clinical features of BRCA2-related conditions (PMID: 21520333). ClinVar contains an entry for this variant (Variation ID: 91504). Algorithms developed to predict the effect of sequence changes on RNA splicing suggest that this variant may disrupt the consensus splice site. For these reasons, this variant has been classified as Pathogenic.

GeneKor MSA
Classification: Pathogenic. Last evaluated: 2020-01-01. Review status: criteria provided, single submitter. Criteria: ACMG Guidelines, 2015. Collection method: clinical testing. Allele origin: germline. Not counted in ClinVar's aggregate classification.
Comment: This is a deletion of 10 base pairs, which results in frameshift and creation of a new stop codon at amino acid residue 2734 of the BRCA2 gene. It is expected to result in a truncated, non-functional protein. This variant has not been described in the bibliography or in population databases (1000G, ExAC and ESP). The mutation database ClinVar contains an entry for this variant (Variation ID: 91504).

Ambry Genetics
Classification: Pathogenic for Hereditary cancer-predisposing syndrome. Last evaluated: 2018-02-27. Review status: criteria provided, single submitter. Criteria: Ambry Variant Classification Scheme 2023. Collection method: clinical testing. Allele origin: germline. Not counted in ClinVar's aggregate classification.
Comment: The c.8200_8209del10 pathogenic mutation, located in coding exon 17 of the BRCA2 gene, results from a deletion of 10 nucleotides at nucleotide positions 8200 to 8209, causing a translational frameshift with a predicted alternate stop codon (p.P2734*). This alteration is expected to result in loss of function by premature protein truncation or nonsense-mediated mRNA decay. As such, this alteration is interpreted as a disease-causing mutation.

Quest Diagnostics Nichols Institute San Juan Capistrano
Classification: Pathogenic. Last evaluated: 2017-05-08. Review status: criteria provided, single submitter. Criteria: Quest Diagnostics criteria. Collection method: clinical testing. Allele origin: germline. Not counted in ClinVar's aggregate classification.

BRCAlab, Lund University
Classification: Pathogenic for Breast-ovarian cancer, familial, susceptibility to, 2. Last evaluated: 2020-03-02. Review status: no assertion criteria provided. Collection method: clinical testing. Allele origin: germline. Affected: yes. Not counted in ClinVar's aggregate classification.

Sharing Clinical Reports Project (SCRP)
Classification: Pathogenic for Breast-ovarian cancer, familial 2. Last evaluated: 2009-11-23. Review status: no assertion criteria provided. Collection method: clinical testing. Allele origin: germline. Not counted in ClinVar's aggregate classification.

Literature cited by the submitters: PubMed 20104584 (cited by Labcorp Genetics (formerly Invitae), Labcorp); PubMed 21520333 (cited by Labcorp Genetics (formerly Invitae), Labcorp).

NM_000059.4(BRCA2):c.8200_8209del (p.Asp2733_Pro2734insTer)

Gene: BRCA2 (BRCA2 DNA repair associated; plus strand). Cytogenetic location: 13q13.1.
Variant type: Deletion.
Coding change: c.8200_8209del on transcript NM_000059.4 (MANE Select); coding-DNA positions 8200 to 8209, 10 bases deleted (CCTCCCCTCT; older notation c.8200_8209delCCTCCCCTCT).
Protein change: p.Asp2733_Pro2734insTer.
Molecular consequence: nonsense.
Genome position (GRCh38, 1-based): chr13:32,363,402-32,363,411, CCTCCCCTCT deleted; deleting any 10 consecutive bases within chr13:32,363,401-32,363,411 gives the same sequence; the c. name uses the placement nearest the transcript's 3' end. VCF-style (leftmost placement, unchanged base first): chr13-32363400-ATCCTCCCCTC-A. GRCh37 (hg19) VCF-style: chr13-32937537-ATCCTCCCCTC-A.
Other names: 8428del10; c.8200_8209delCCTCCCCTCT (NM_000059.3).
Identifiers: ClinVar variation 91504 (VCV000091504.19), dbSNP rs398122599, ClinGen allele CA025507.